The following is an entry in ClinVar:

NM_003001.5(SDHC):c.*73C>T

Gene: SDHC (succinate dehydrogenase complex subunit C; plus strand). Cytogenetic location: 1q23.3.
Variant type: single nucleotide variant.
Coding change: c.*73C>T on transcript NM_003001.5 (MANE Select); 73 bases downstream of the stop codon, C replaced by T.
Molecular consequence: 3 prime UTR variant. On other transcripts: missense variant (3), non-coding transcript variant (1).
Genome position (GRCh38, 1-based): chr1:161,362,506, C>T. VCF-style: chr1-161362506-C-T. GRCh37 (hg19) VCF-style: chr1-161332296-C-T.
Other names: c.*73C>T (NM_001035513.3, NM_001407115.1, NM_001407116.1 and 5 more transcripts); c.317C>T, p.Ser106Phe (NM_001278172.3); c.362C>T, p.Ser121Phe (NM_001407121.1); c.419C>T, p.Ser140Phe (NM_001035511.3); short protein forms S106F, S140F, S121F.
Identifiers: ClinVar variation 5029356 (VCV005029356.1).

ClinVar aggregate classification (germline): Uncertain significance (1 of 4 stars; one submission).

Conditions:
Hereditary cancer-predisposing syndrome. Also called: Neoplastic Syndromes, Hereditary; Tumor predisposition; Hereditary neoplastic syndrome; Hereditary Cancer Syndrome. Identifiers: Orphanet 140162, MedGen C0027672, MeSH D009386, MONDO:0015356.

Submission:

Ambry Genetics
Classification: Uncertain significance for Hereditary cancer-predisposing syndrome. Last evaluated: 2026-07-07. Review status: criteria provided, single submitter. Criteria: Ambry Variant Classification Scheme 2023. Collection method: clinical testing. Allele origin: germline.
Comment: The p.S140F variant (also known as c.419C>T), located in coding exon 5 of the SDHC gene, results from a C to T substitution at nucleotide position 419. The serine at codon 140 is replaced by phenylalanine, an amino acid with highly dissimilar properties. This amino acid position is conserved. In addition, the in silico prediction for this alteration is inconclusive. Based on the available evidence, the clinical significance of this variant remains unclear.